The following is an entry in ClinVar:

ClinVar aggregate classification (germline): Pathogenic (1 of 4 stars; one submission).

Conditions:
Baller-Gerold syndrome (BGS). Also called: CRANIOSYNOSTOSIS WITH RADIAL DEFECTS. Identifiers: Orphanet 1225, MedGen C0265308, MONDO:0009039, OMIM 218600.

Submission:

Labcorp Genetics (formerly Invitae), Labcorp
Classification: Pathogenic for Baller-Gerold syndrome. Last evaluated: 2022-10-27. Review status: criteria provided, single submitter. Criteria: Invitae Variant Classification Sherloc (09022015). Collection method: clinical testing. Allele origin: germline.
Comment: For these reasons, this variant has been classified as Pathogenic. This variant has not been reported in the literature in individuals affected with RECQL4-related conditions. This variant is not present in population databases (gnomAD no frequency). This sequence change creates a premature translational stop signal (p.Glu37Argfs*12) in the RECQL4 gene. It is expected to result in an absent or disrupted protein product. Loss-of-function variants in RECQL4 are known to be pathogenic (PMID: 12734318, 12952869).

Literature cited by the submitters: PubMed 12734318; PubMed 12952869.

NM_004260.4(RECQL4):c.109del (p.Glu37fs)

Genes: RECQL4 (RecQ like helicase 4; minus strand), LOC130001411 (ATAC-STARR-seq lymphoblastoid silent region 19699; plus strand). Cytogenetic location: 8q24.3.
Variant type: Deletion.
Coding change: c.109del on transcript NM_004260.4 (MANE Select); coding-DNA position 109, one base deleted (G; older notation c.109delG).
Protein change: p.Glu37fs; shifts the reading frame from glutamic acid 37.
Molecular consequence: frameshift variant. On other transcripts: 5 prime UTR variant (17), non-coding transcript variant (3), intron variant (1).
Genome position (GRCh38, 1-based): chr8:144,517,611, C deleted on the plus strand (G on the coding strand, the reverse complement: RECQL4 is on the minus strand); the first of 2 consecutive C bases (chr8:144,517,611-144,517,612); deleting either gives the same sequence. VCF-style (leftmost placement, unchanged base first): chr8-144517610-TC-T. GRCh37 (hg19) VCF-style: chr8-145742994-TC-T.
Other names: c.109del, p.Glu37fs (NM_001413017.1, NM_001413018.1, NM_001413019.1 and 5 more transcripts); c.-612del (NM_001413021.1); c.-963del (NM_001413022.1, NM_001413023.1, NM_001413037.1 and 2 more transcripts); c.-860del (NM_001413024.1, NM_001413035.1); c.-1025del (NM_001413027.1, NM_001413030.1, NM_001413031.1 and 1 more transcripts); c.-688del (NM_001413028.1); c.-922del (NM_001413032.1); c.-867del (NM_001413034.1); and 3 more; short protein forms E37fs.
Identifiers: ClinVar variation 2809876 (VCV002809876.3), dbSNP rs2538129234, ClinGen allele CA2739269110.